The following is an entry in ClinVar:

NM_022370.4(ROBO3):c.4094GGAGTC[1] (p.1363RS[2])

Gene: ROBO3 (roundabout guidance receptor 3; plus strand). Cytogenetic location: 11q24.2.
Variant type: Microsatellite.
Coding change: c.4094GGAGTC[1] on transcript NM_022370.4 (MANE Select); one copy of the 6-base unit GGAGTC starting at c.4094; the reference has two copies in a row; one copy, 6 bases deleted; also written c.4100_4105del.
Protein change: p.1363RS[2].
Molecular consequence: inframe deletion. On other transcripts: non-coding transcript variant (7).
Genome position (GRCh38, 1-based): chr11:124,880,559-124,880,564, GGAGTC deleted; deleting any 6 consecutive bases within chr11:124,880,552-124,880,564 gives the same sequence; the position shown is the placement nearest the transcript's 3' end. VCF-style (leftmost placement, unchanged base first): chr11-124880551-CCGGAGT-C. GRCh37 (hg19) VCF-style: chr11-124750447-CCGGAGT-C.
Other names: c.4100_4105del (NM_022370.4); c.4100_4105del6 (NM_022370.3); c.1241GGAGTC[1], p.412RS[2] (NM_001370356.1, NM_001370357.1, NM_001370358.1 and 2 more transcripts); c.1046GGAGTC[1], p.347RS[2] (NM_001370364.1, NM_001370366.1).
Identifiers: ClinVar variation 303279 (VCV000303279.9), dbSNP rs56085444, ClinGen allele CA6344374.
Genomic context (GRCh38, chr11:124,880,551, plus strand): 5'-CGGCAGCAACTCTTCCAGGGGCTCCAGCAGCTCTAGGGGCTCCCGGGGCCCTGGCCGGAG[CCGGAGT>C]CGGAGTCAGAGCCGGAGCCAGAGCCAAAGGCCAGGACAGAAACGCCGAGAGGTAGGGGCC-3'

ClinVar aggregate classification (germline): Benign. Review status: criteria provided, single submitter (1 of 4 stars). 2 submissions from 2 submitters: Benign (1). 1 of the submissions does not count toward it. Last evaluated 2021-11-07.

Conditions:
ROBO3-related disorder. Also called: ROBO3-related condition.
Gaze palsy, familial horizontal, with progressive scoliosis 1 (HGPPS1). Identifiers: Orphanet 2744, MedGen C4551964, MONDO:0020790, OMIM 607313.

Submissions (2):

Genome-Nilou Lab
Classification: Benign for Gaze palsy, familial horizontal, with progressive scoliosis 1. Last evaluated: 2021-11-07. Review status: criteria provided, single submitter. Criteria: ACMG Guidelines, 2015. Collection method: clinical testing. Allele origin: germline. Affected: no.

PreventionGenetics, part of Exact Sciences
Classification: Benign for ROBO3-related condition. Last evaluated: 2023-06-15. Review status: no assertion criteria provided. Collection method: clinical testing. Allele origin: germline. Not counted in ClinVar's aggregate classification.
Comment: This variant is classified as benign based on ACMG/AMP sequence variant interpretation guidelines (Richards et al. 2015 PMID: 25741868, with internal and published modifications).